The following is an entry in ClinVar:

ClinVar aggregate classification (germline): Likely pathogenic (1 of 4 stars; one submission).

Conditions:
Hyper-IgE recurrent infection syndrome 3, autosomal recessive. Also called: Autosomal recessive hyper-IgE syndrome due to ZNF341 deficiency; HYPER-IgE SYNDROME 3, AUTOSOMAL RECESSIVE, WITH RECURRENT INFECTIONS. Identifiers: Orphanet 641368, MedGen C4748969, MONDO:0032654, OMIM 618282.

Submission:

Labcorp Genetics (formerly Invitae), Labcorp
Classification: Likely pathogenic for Combined immunodeficiency due to DOCK8 deficiency. Last evaluated: 2022-10-24. Review status: criteria provided, single submitter. Criteria: Invitae Variant Classification Sherloc (09022015). Collection method: clinical testing. Allele origin: germline.
Comment: In summary, the currently available evidence indicates that the variant is pathogenic, but additional data are needed to prove that conclusively. Therefore, this variant has been classified as Likely Pathogenic. This variant has not been reported in the literature in individuals affected with DOCK8-related conditions. This variant results in a copy number gain of the genomic region encompassing exon(s) 11-14 of the DOCK8 gene. While the exact position of this variant cannot be determined from the data, sub-genic copy number gains are generally in tandem (PMID: 25640679). This variant is predicted to be out-of-frame, and may result in an absent or disrupted protein product. Loss-of-function variants in DOCK8 are known to be pathogenic (PMID: 14722525, 19776401).

Literature cited by the submitters: PubMed 25640679; PubMed 14722525; PubMed 19776401.

NC_000009.12:g.(?_334205)_(340341_?)dup

Gene: DOCK8 (dedicator of cytokinesis 8; plus strand). Cytogenetic location: 9p24.3.
Variant type: Duplication.
Identifiers: ClinVar variation 831501 (VCV000831501.10).